The following is an entry in ClinVar:

ClinVar aggregate classification (germline): Uncertain significance. Review status: criteria provided, multiple submitters, no conflicts (2 of 4 stars). 2 submissions from 2 submitters: Uncertain significance (2). Last evaluated 2023-08-03.

Conditions:
Cardiovascular phenotype. Identifiers: MedGen CN230736.
Brugada syndrome 8 (BRGDA8). Identifiers: Orphanet 130, MedGen C2751083, MONDO:0013148, OMIM 613123.

Submissions (2):

Labcorp Genetics (formerly Invitae), Labcorp
Classification: Uncertain significance for Brugada syndrome 8. Last evaluated: 2023-08-03. Review status: criteria provided, single submitter. Criteria: Invitae Variant Classification Sherloc (09022015). Collection method: clinical testing. Allele origin: germline.
Comment: In summary, the available evidence is currently insufficient to determine the role of this variant in disease. Therefore, it has been classified as a Variant of Uncertain Significance. Advanced modeling of protein sequence and biophysical properties (such as structural, functional, and spatial information, amino acid conservation, physicochemical variation, residue mobility, and thermodynamic stability) performed at Invitae indicates that this missense variant is not expected to disrupt HCN4 protein function. ClinVar contains an entry for this variant (Variation ID: 2326078). This variant has not been reported in the literature in individuals affected with HCN4-related conditions. This variant is not present in population databases (gnomAD no frequency). This sequence change replaces histidine, which is basic and polar, with tyrosine, which is neutral and polar, at codon 1149 of the HCN4 protein (p.His1149Tyr).

Ambry Genetics
Classification: Uncertain significance for Cardiovascular phenotype. Last evaluated: 2022-11-10. Review status: criteria provided, single submitter. Criteria: Ambry Variant Classification Scheme 2023. Collection method: clinical testing. Allele origin: germline.

NM_005477.3(HCN4):c.3445C>T (p.His1149Tyr)

Gene: HCN4 (hyperpolarization activated cyclic nucleotide gated potassium channel 4; minus strand). Cytogenetic location: 15q24.1.
Variant type: single nucleotide variant.
Coding change: c.3445C>T on transcript NM_005477.3 (MANE Select); coding-DNA position 3445, C replaced by T.
Protein change: p.His1149Tyr; replaces histidine 1149 with tyrosine.
Molecular consequence: missense variant.
Genome position (GRCh38, 1-based): chr15:73,322,648, G>A on the plus strand (C>T on the coding strand, the complement: HCN4 is on the minus strand). VCF-style: chr15-73322648-G-A. GRCh37 (hg19) VCF-style: chr15-73614989-G-A.
Other names: short protein forms H1149Y.
Identifiers: ClinVar variation 2326078 (VCV002326078.5), dbSNP rs2549067853, ClinGen allele CA393085286.